The following is an entry in ClinVar:

NM_001276700.2(NLRP6):c.786G>C (p.Ala262=)

Gene: NLRP6 (NLR family pyrin domain containing 6; plus strand). Cytogenetic location: 11p15.5.
Variant type: single nucleotide variant.
Coding change: c.786G>C on transcript NM_001276700.2 (MANE Select); coding-DNA position 786, G replaced by C.
Protein change: p.Ala262=; no amino-acid change (alanine 262 retained).
Molecular consequence: synonymous variant.
Genome position (GRCh38, 1-based): chr11:280,520, G>C. VCF-style: chr11-280520-G-C. GRCh37 (hg19) VCF-style: chr11-280520-G-C.
Other names: c.786G>C, p.Ala262= (NM_138329.2).
Identifiers: ClinVar variation 103256 (VCV000103256.2), dbSNP rs199475802, ClinGen allele CA230323.

ClinVar aggregate classification (germline): not provided (0 of 4 stars; one submission).

Allele frequency attached by ClinVar (database versions not stated): gnomAD exomes 0.00005; ExAC 0.00012; 1000 Genomes Project 30x 0.00016; TOPMed 0.00042.
gnomAD v4.1: 74 of 1,567,638 alleles (0.0047%); highest among the groups gnomAD compares: African/African-American, 0.094%; no homozygotes.

Submission:

Human Evolutionary Genetics, Institut Pasteur
No classification provided. Review status: no classification provided. Collection method: not provided. Allele origin: germline.
ClinVar note: Converted during submission from untested to not provided.